The following is an entry in ClinVar:

ClinVar aggregate classification (germline): Conflicting classifications of pathogenicity. Review status: criteria provided, conflicting classifications (1 of 4 stars). 3 submissions from 3 submitters: Uncertain significance (1); Likely benign (2). Last evaluated 2026-03-12.

Conditions:
NPHP3-related disorder. Also called: NPHP3-related disorders; NPHP3-related condition. Identifiers: MedGen CN379163.
Nephronophthisis. Also called: Juvenile Nephronophthisis. Identifiers: Orphanet 655, MedGen C0687120, MONDO:0019005, HP:0000090.

Submissions (3):

PreventionGenetics, part of Exact Sciences
Classification: Likely benign for NPHP3-related condition. Last evaluated: 2026-03-12. Review status: criteria provided, single submitter. Criteria: ACMG Guidelines, 2015. Collection method: clinical testing. Allele origin: germline.
Comment: This variant is classified as likely benign based on ACMG/AMP sequence variant interpretation guidelines (Richards et al. 2015 PMID: 25741868, with internal and published modifications).

Labcorp Genetics (formerly Invitae), Labcorp
Classification: Likely benign for Nephronophthisis. Last evaluated: 2024-03-12. Review status: criteria provided, single submitter. Criteria: Invitae Variant Classification Sherloc (09022015). Collection method: clinical testing. Allele origin: germline.

Eurofins Ntd Llc (ga)
Classification: Uncertain significance. Last evaluated: 2018-02-09. Review status: criteria provided, single submitter. Criteria: EGL ClinVar v180209 classification definitions. Collection method: clinical testing. Allele origin: germline. Observed: 1 variant allele, 1 heterozygote.

NM_153240.5(NPHP3):c.1533A>G (p.Gln511=)

Genes: NPHP3 (nephrocystin 3; minus strand), NPHP3-ACAD11 (NPHP3-ACAD11 readthrough (NMD candidate); minus strand). Cytogenetic location: 3q22.1.
Variant type: single nucleotide variant.
Coding change: c.1533A>G on transcript NM_153240.5 (MANE Select); coding-DNA position 1533, A replaced by G.
Protein change: p.Gln511=; no amino-acid change (glutamine 511 retained).
Molecular consequence: synonymous variant. On other transcripts: non-coding transcript variant (1).
Genome position (GRCh38, 1-based): chr3:132,701,525, T>C on the plus strand (A>G on the coding strand, the complement: NPHP3 is on the minus strand). VCF-style: chr3-132701525-T-C. GRCh37 (hg19) VCF-style: chr3-132420369-T-C.
Other names: c.1533A>G (NM_153240.4).
Identifiers: ClinVar variation 596101 (VCV000596101.9), dbSNP rs368126549, ClinGen allele CA2622267.
Genomic context (GRCh38, chr3:132,701,525, plus strand): 5'-TCCTCCAGACACGAGAAGAGGTGGAATCGGGGCTGGTGCTGCCACTAGATCATTAAGGCG[T>C]TGGTAATACTAGAAAAAAAAATGAATTTACATTGTAAGGAAGCACATGCCTCTGAGACTA-3'
Protein context (NP_694972.3, residues 501-521): AHELGFEKYY[Gln511=]RLNDLVAAPA